The following is an entry in ClinVar:

ClinVar aggregate classification (germline): Uncertain significance (1 of 4 stars; one submission).

Submission:

Labcorp Genetics (formerly Invitae), Labcorp
Classification: Uncertain significance. Last evaluated: 2022-10-28. Review status: criteria provided, single submitter. Criteria: Invitae Variant Classification Sherloc (09022015). Collection method: clinical testing. Allele origin: germline.
Comment: In summary, the available evidence is currently insufficient to determine the role of this variant in disease. Therefore, it has been classified as a Variant of Uncertain Significance. Advanced modeling of protein sequence and biophysical properties (such as structural, functional, and spatial information, amino acid conservation, physicochemical variation, residue mobility, and thermodynamic stability) performed at Invitae indicates that this missense variant is not expected to disrupt PPOX protein function. This variant has not been reported in the literature in individuals affected with PPOX-related conditions. This variant is not present in population databases (gnomAD no frequency). This sequence change replaces tryptophan, which is neutral and slightly polar, with cysteine, which is neutral and slightly polar, at codon 427 of the PPOX protein (p.Trp427Cys).

NM_001122764.3(PPOX):c.1281G>C (p.Trp427Cys)

Gene: PPOX (protoporphyrinogen oxidase; plus strand). Cytogenetic location: 1q23.3.
Variant type: single nucleotide variant.
Coding change: c.1281G>C on transcript NM_001122764.3 (MANE Select); coding-DNA position 1281, G replaced by C.
Protein change: p.Trp427Cys; replaces tryptophan 427 with cysteine.
Molecular consequence: missense variant.
Genome position (GRCh38, 1-based): chr1:161,170,939, G>C. VCF-style: chr1-161170939-G-C. GRCh37 (hg19) VCF-style: chr1-161140729-G-C.
Other names: c.1281G>C, p.Trp427Cys (NM_000309.5, NM_001365398.1); c.1182G>C, p.Trp394Cys (NM_001350128.2); c.873G>C, p.Trp291Cys (NM_001350129.2, NM_001365400.1); c.795G>C, p.Trp265Cys (NM_001350130.2, NM_001350131.2, NM_001365401.1); c.1170G>C, p.Trp390Cys (NM_001365399.1); short protein forms W427C, W291C, W394C, W265C, W390C.
Identifiers: ClinVar variation 2810407 (VCV002810407.3), dbSNP rs1057518798, ClinGen allele CA343358784.